The following is an entry in ClinVar:

ClinVar aggregate classification (germline): Likely benign (1 of 4 stars; one submission).

gnomAD v4.1: 20 of 1,613,894 alleles (0.0012%); highest among the groups gnomAD compares: Non-Finnish European, 0.0012%; no homozygotes.

Submission:

CeGaT Center for Human Genetics Tuebingen
Classification: Likely benign. Last evaluated: 2025-05-01. Review status: criteria provided, single submitter. Criteria: CeGaT Center For Human Genetics Tuebingen Variant Classification Criteria Version 2. Collection method: clinical testing. Allele origin: germline. Affected: yes. Observed: 1 variant allele.
Comment: RFX7: BP4

NM_022841.7(RFX7):c.989C>T (p.Ala330Val)

Gene: RFX7 (regulatory factor X7; minus strand). Cytogenetic location: 15q21.3.
Variant type: single nucleotide variant.
Coding change: c.989C>T on transcript NM_022841.7 (MANE Select); coding-DNA position 989, C replaced by T.
Protein change: p.Ala330Val; replaces alanine 330 with valine.
Molecular consequence: missense variant.
Genome position (GRCh38, 1-based): chr15:56,098,199, G>A on the plus strand (C>T on the coding strand, the complement: RFX7 is on the minus strand). VCF-style: chr15-56098199-G-A. GRCh37 (hg19) VCF-style: chr15-56390397-G-A.
Other names: c.698C>T, p.Ala233Val (NM_001368073.2, NM_001368074.1, NM_001370554.1); c.989C>T, p.Ala330Val (NM_001370561.1); short protein forms A233V, A330V.
Identifiers: ClinVar variation 3905625 (VCV003905625.10).